The following is an entry in ClinVar:

NM_170606.3(KMT2C):c.9674A>T (p.Glu3225Val)

Gene: KMT2C (lysine methyltransferase 2C; minus strand). Cytogenetic location: 7q36.1.
Variant type: single nucleotide variant.
Coding change: c.9674A>T on transcript NM_170606.3 (MANE Select); coding-DNA position 9674, A replaced by T.
Protein change: p.Glu3225Val; replaces glutamic acid 3225 with valine.
Molecular consequence: missense variant.
Genome position (GRCh38, 1-based): chr7:152,167,222, T>A on the plus strand (A>T on the coding strand, the complement: KMT2C is on the minus strand). VCF-style: chr7-152167222-T-A. GRCh37 (hg19) VCF-style: chr7-151864307-T-A.
Other names: short protein forms E3225V.
Identifiers: ClinVar variation 4755606 (VCV004755606.1).
Genomic context (GRCh38, chr7:152,167,222, plus strand): 5'-TGAACCATGCTTTGCTGTTCAGTAACATGCTTGAGTTGTTCTGCATCTTCCTCTGGAAAT[T>A]CACGCCCAGCTTTCTTGGCAGTACGTTGTTTAGCTGAAAGGGCCTTCTTAGATTTTCTGT-3'
Protein context (NP_733751.2, residues 3215-3235): KQRTAKKAGR[Glu3225Val]FPEEDAEQLK

ClinVar aggregate classification (germline): Uncertain significance (1 of 4 stars; one submission).

Submission:

GeneDx
Classification: Uncertain significance. Last evaluated: 2025-08-06. Review status: criteria provided, single submitter. Criteria: GeneDx Variant Classification Process June 2021. Collection method: clinical testing. Allele origin: germline. Affected: yes.
Comment: Not observed at significant frequency in large population cohorts (gnomAD); In silico analysis supports that this missense variant has a deleterious effect on protein structure/function; Has not been previously published as pathogenic or benign to our knowledge